The following is an entry in ClinVar:

ClinVar aggregate classification (germline): Likely pathogenic (1 of 4 stars; one submission).

Conditions:
ALG12-congenital disorder of glycosylation (CDG1G). Also called: CDG Ig; Congenital disorder of glycosylation, type Ig; ALG12-CDG. Identifiers: Orphanet 79324, MedGen C2931001, MONDO:0011783, OMIM 607143.

Submission:

Labcorp Genetics (formerly Invitae), Labcorp
Classification: Likely pathogenic for ALG12-congenital disorder of glycosylation. Last evaluated: 2025-07-21. Review status: criteria provided, single submitter. Criteria: Invitae Variant Classification Sherloc (09022015). Collection method: clinical testing. Allele origin: germline.
Comment: This sequence change affects a donor splice site in intron 8 of the ALG12 gene. It is expected to disrupt RNA splicing. Variants that disrupt the donor or acceptor splice site typically lead to a loss of protein function (PMID: 16199547), and loss-of-function variants in ALG12 are known to be pathogenic (PMID: 15639192, 31481313). This variant is not present in population databases (gnomAD no frequency). This variant has not been reported in the literature in individuals affected with ALG12-related conditions. Algorithms developed to predict the effect of sequence changes on RNA splicing suggest that this variant may disrupt the consensus splice site. In summary, the currently available evidence indicates that the variant is pathogenic, but additional data are needed to prove that conclusively. Therefore, this variant has been classified as Likely Pathogenic.

Literature cited by the submitters: PubMed 16199547; PubMed 15639192; PubMed 31481313.

NM_024105.4(ALG12):c.1162+2T>G

Gene: ALG12 (ALG12 alpha-1,6-mannosyltransferase; minus strand). Cytogenetic location: 22q13.33.
Variant type: single nucleotide variant.
Coding change: c.1162+2T>G on transcript NM_024105.4 (MANE Select); the canonical splice donor site of the intron after coding-DNA position 1162, T replaced by G.
Molecular consequence: splice donor variant.
Genome position (GRCh38, 1-based): chr22:49,904,335, A>C on the plus strand (T>G on the coding strand, the complement: ALG12 is on the minus strand). VCF-style: chr22-49904335-A-C. GRCh37 (hg19) VCF-style: chr22-50297983-A-C.
Identifiers: ClinVar variation 4723193 (VCV004723193.1).